The following is an entry in ClinVar:

NM_000558.5(HBA1):c.48dup (p.Lys17Ter)

Genes: HBA1 (hemoglobin subunit alpha 1; plus strand), LOC106804613 (hemoglobin subunit alpha 1 recombination region; plus strand). Cytogenetic location: 16p13.3.
Variant type: Duplication.
Coding change: c.48dup on transcript NM_000558.5 (MANE Select); coding-DNA position 48, one base duplicated (T; older notation c.48dupT).
Protein change: p.Lys17Ter; replaces lysine 17 with a stop codon.
Molecular consequence: nonsense.
Genome position (GRCh38, 1-based): chr16:176,764, T duplicated. VCF-style (leftmost placement, unchanged base first): chr16-176763-G-GT. GRCh37 (hg19) VCF-style: chr16-226762-G-GT.
Other names: short protein forms K17*.
Identifiers: ClinVar variation 4814414 (VCV004814414.1).

ClinVar aggregate classification (germline): Likely pathogenic (1 of 4 stars; one submission).

Conditions:
alpha Thalassemia. Also called: Alpha thalassemia spectrum. Identifiers: Orphanet 846, MedGen C0002312, MONDO:0011399, OMIM 604131.

Submission:

Natera, Inc.
Classification: Likely pathogenic for Alpha thalassemia. Last evaluated: 2025-08-08. Review status: criteria provided, single submitter. Criteria: Natera Variant Classification Schema (03/2026). Collection method: clinical testing. Allele origin: germline.
Comment: The c.48dupT variant in HBA1 is a frameshift variant predicted to shift the reading frame and introduce a stop codon. This variant is expected to result in nonsense mediated decay, truncation, or a dysfunctional protein product. This variant is rare in the general population with a frequency below the threshold expected for the associated phenotype(s). Given the available evidence, this variant is classified as Likely Pathogenic.